The following is an entry in ClinVar:

NM_005619.4(RTN2):c.-452A>C

Genes: OPA3-RTN2 (OPA3-RTN2 readthrough; minus strand), RTN2 (reticulon 2; minus strand). Cytogenetic location: 19q13.32.
Variant type: single nucleotide variant.
Coding change: c.-452A>C on transcript NM_005619.4; 452 bases upstream of the start codon, A replaced by C.
Genome position (GRCh38, 1-based): chr19:45,497,277, T>G on the plus strand (A>C on the coding strand, the complement: RTN2 is on the minus strand). VCF-style: chr19-45497277-T-G. GRCh37 (hg19) VCF-style: chr19-46000535-T-G.
Identifiers: ClinVar variation 684130 (VCV000684130.4), dbSNP rs12976143, ClinGen allele CA15948224.
Genomic context (GRCh38, chr19:45,497,277, plus strand): 5'-GCGGGGCCTAGATCGCAGAGGGCGCAGCCTTTAGGGGAAGAGGGAAGGAGGCCTGGAGTC[T>G]GGCGAGGGACTTGGGAGAGGATGGTGAACGAGCCACGGCAGAGAGGATGAGAGCGTGGAT-3'

ClinVar aggregate classification (germline): Benign. Review status: criteria provided, multiple submitters, no conflicts (2 of 4 stars). 2 submissions from 2 submitters: Benign (2). Last evaluated 2018-06-14.

Allele frequency attached by ClinVar (database versions not stated): 1000 Genomes Project 30x 0.67505; 1000 Genomes Project 0.67652; gnomAD exomes 0.59354; TOPMed 0.62751.

Submissions (2):

GeneDx
Classification: Benign. Last evaluated: 2018-06-14. Review status: criteria provided, single submitter. Criteria: GeneDx Variant Classification (06012015). Collection method: clinical testing. Allele origin: germline. Affected: yes.
Comment: This variant is considered likely benign or benign based on one or more of the following criteria: it is a conservative change, it occurs at a poorly conserved position in the protein, it is predicted to be benign by multiple in silico algorithms, and/or has population frequency not consistent with disease.

Breakthrough Genomics
Classification: Benign. Review status: criteria provided, single submitter. Criteria: ACMG Guidelines, 2015. Collection method: not provided. Allele origin: germline. Inheritance: Autosomal dominant inheritance. Affected: yes.